The following is an entry in ClinVar:

NM_001283009.2(RTEL1):c.3491C>T (p.Pro1164Leu)

Genes: RTEL1 (regulator of telomere elongation helicase 1; plus strand), RTEL1-TNFRSF6B (RTEL1-TNFRSF6B readthrough (NMD candidate); plus strand). Cytogenetic location: 20q13.33.
Variant type: single nucleotide variant.
Coding change: c.3491C>T on transcript NM_001283009.2 (MANE Select); coding-DNA position 3491, C replaced by T.
Protein change: p.Pro1164Leu; replaces proline 1164 with leucine.
Molecular consequence: missense variant. On other transcripts: non-coding transcript variant (1).
Genome position (GRCh38, 1-based): chr20:63,695,213, C>T. VCF-style: chr20-63695213-C-T. GRCh37 (hg19) VCF-style: chr20-62326566-C-T.
Other names: c.3563C>T (NM_032957.4); c.2822C>T, p.Pro941Leu (NM_001283010.1); c.3491C>T, p.Pro1164Leu (NM_016434.4); c.3563C>T, p.Pro1188Leu (NM_032957.5); short protein forms P1164L, P1188L, P941L.
Identifiers: ClinVar variation 2185486 (VCV002185486.5), dbSNP rs1300653905, ClinGen allele CA409685532.

ClinVar aggregate classification (germline): Uncertain significance. Review status: criteria provided, multiple submitters, no conflicts (2 of 4 stars). 2 submissions from 2 submitters: Uncertain significance (2). Last evaluated 2025-02-12.

Conditions:
Pulmonary fibrosis and/or bone marrow failure, Telomere-related, 3. Also called: PULMONARY FIBROSIS AND/OR BONE MARROW FAILURE SYNDROME, TELOMERE-RELATED, 3. Identifiers: Orphanet 2032, MedGen C4225346, MONDO:0014613, OMIM 616373.
Dyskeratosis congenita, autosomal recessive 5 (DKCB5). Identifiers: MedGen C3554656, MONDO:0014076, OMIM 615190.
Inborn genetic diseases. Identifiers: MedGen C0950123, MeSH D030342.

Allele frequency attached by ClinVar (database versions not stated): gnomAD exomes below 0.00001.
gnomAD v4.1: 6 of 1,611,684 alleles (0.00037%); highest among the groups gnomAD compares: Non-Finnish European, 0.00034%; no homozygotes.

Submissions (2):

Ambry Genetics
Classification: Uncertain significance for Inborn genetic diseases. Last evaluated: 2025-02-12. Review status: criteria provided, single submitter. Criteria: Ambry Variant Classification Scheme 2023. Collection method: clinical testing. Allele origin: germline.

Labcorp Genetics (formerly Invitae), Labcorp
Classification: Uncertain significance for Dyskeratosis congenita, autosomal recessive 5; Pulmonary fibrosis and/or bone marrow failure, Telomere-related, 3. Last evaluated: 2022-10-05. Review status: criteria provided, single submitter. Criteria: Invitae Variant Classification Sherloc (09022015). Collection method: clinical testing. Allele origin: germline.
Comment: This variant has not been reported in the literature in individuals affected with RTEL1-related conditions. Algorithms developed to predict the effect of missense changes on protein structure and function output the following: SIFT: "Tolerated"; PolyPhen-2: "Benign"; Align-GVGD: "Class C0". The leucine amino acid residue is found in multiple mammalian species, which suggests that this missense change does not adversely affect protein function. This sequence change replaces proline, which is neutral and non-polar, with leucine, which is neutral and non-polar, at codon 1164 of the RTEL1 protein (p.Pro1164Leu). This variant is not present in population databases (gnomAD no frequency). In summary, the available evidence is currently insufficient to determine the role of this variant in disease. Therefore, it has been classified as a Variant of Uncertain Significance.